The following is an entry in ClinVar:

NM_001365902.3(NFIX):c.344G>A (p.Arg115Gln)

Gene: NFIX (nuclear factor I X; plus strand). Cytogenetic location: 19p13.13.
Variant type: single nucleotide variant.
Coding change: c.344G>A on transcript NM_001365902.3 (MANE Select); coding-DNA position 344, G replaced by A.
Protein change: p.Arg115Gln; replaces arginine 115 with glutamine.
Molecular consequence: missense variant.
Genome position (GRCh38, 1-based): chr19:13,025,337, G>A. VCF-style: chr19-13025337-G-A. GRCh37 (hg19) VCF-style: chr19-13136151-G-A.
Other names: c.368G>A, p.Arg123Gln (NM_001271043.2); c.320G>A, p.Arg107Gln (NM_001271044.3, NM_001378404.1); c.344G>A, p.Arg115Gln (NM_001365982.2, NM_002501.4); c.203G>A, p.Arg68Gln (NM_001365983.2); c.341G>A, p.Arg114Gln (NM_001365984.2, NM_001365985.2); c.392G>A, p.Arg131Gln (NM_001378405.1); short protein forms R115Q, R107Q, R114Q, R123Q, R68Q, R131Q.
Identifiers: ClinVar variation 689713 (VCV000689713.2), dbSNP rs1599738398, ClinGen allele CA404314506.
Genomic context (GRCh38, chr19:13,025,337, plus strand): 5'-TCACGGGCAAGAAGCCCCCCTGCTGCGTGCTCTCCAACCCCGACCAGAAGGGCAAGATCC[G>A]GCGGATTGACTGCCTGCGCCAGGCTGACAAGGTGTGGCGGCTGGACCTGGTCATGGTGAT-3'
Protein context (NP_001352831.1, residues 105-125): LSNPDQKGKI[Arg115Gln]RIDCLRQADK

ClinVar aggregate classification (germline): Pathogenic/Likely pathogenic. Review status: criteria provided, multiple submitters, no conflicts (2 of 4 stars). 2 submissions from 2 submitters: Pathogenic (1); Likely pathogenic (1). Last evaluated 2024-10-13.

Conditions:
Marfanoid habitus and intellectual disability. Identifiers: MedGen CN263130.

Submissions (2):

GeneDx
Classification: Pathogenic. Last evaluated: 2024-10-13. Review status: criteria provided, single submitter. Criteria: GeneDx Variant Classification Process June 2021. Collection method: clinical testing. Allele origin: germline. Affected: yes.
Comment: In silico analysis supports that this missense variant has a deleterious effect on protein structure/function; Not observed at significant frequency in large population cohorts (gnomAD); This variant is associated with the following publications: (PMID: 31751304, 32277047, 22982744)

Equipe Genetique des Anomalies du Developpement, Université de Bourgogne
Classification: Likely pathogenic for Marfanoid habitus and intellectual disability. Review status: criteria provided, single submitter. Criteria: ACMG Guidelines, 2015. Collection method: research. Allele origin: de novo. Affected: yes.